The following is an entry in ClinVar:

NM_001127222.2(CACNA1A):c.6937CAG[7] (p.Gln2320_Gln2325del)

Genes: CACNA1A (calcium voltage-gated channel subunit alpha1 A; minus strand), LOC108663985 (calcium voltage-gated channel subunit alpha1 A repeat instability region; plus strand). Cytogenetic location: 19p13.13.
Variant type: Microsatellite.
Coding change: c.6937CAG[7] on transcript NM_001127222.2 (MANE Select); seven copies in a row of the 3-base unit CAG starting at c.6937; the reference has 13 copies in a row; six copies, 18 bases deleted.
Protein change: p.Gln2320_Gln2325del.
Molecular consequence: inframe deletion. On other transcripts: 3 prime UTR variant (3).
Genome position (GRCh38, 1-based): chr19:13,207,859-13,207,876, CTGCTGCTGCTGCTGCTG deleted on the plus strand (CAGCAGCAGCAGCAGCAG on the coding strand, the reverse complement: CACNA1A is on the minus strand); deleting any 18 consecutive bases within chr19:13,207,859-13,207,898 gives the same sequence; the position shown is the placement nearest the transcript's 3' end. VCF-style (leftmost placement, unchanged base first): chr19-13207858-CCTGCTGCTGCTGCTGCTG-C. GRCh37 (hg19) VCF-style: chr19-13318672-CCTGCTGCTGCTGCTGCTG-C.
Other names: c.*149CAG[7] (NM_000068.4, NM_001127221.2, NM_001174080.2); c.6955CAG[7], p.Gln2326_Gln2331del (NM_023035.3).
Identifiers: ClinVar variation 1249720 (VCV001249720.4), dbSNP rs16054, ClinGen allele CA9239230.

ClinVar aggregate classification (germline): Benign/Likely benign. Review status: criteria provided, multiple submitters, no conflicts (2 of 4 stars). 3 submissions from 3 submitters: Benign (2); Likely benign (1). Last evaluated 2024-11-28.

Conditions:
Episodic ataxia type 2 (EA2). Also called: EPISODIC ATAXIA, NYSTAGMUS-ASSOCIATED; ACETAZOLAMIDE-RESPONSIVE HEREDITARY PAROXYSMAL CEREBELLAR ATAXIA; ATAXIA, EPISODIC, WITH NYSTAGMUS; ATAXIA, FAMILIAL PAROXYSMAL; CEREBELLAR ATAXIA, PAROXYSMAL, ACETAZOLAMIDE-RESPONSIVE; CEREBELLOPATHY, HEREDITARY PAROXYSMAL. Identifiers: Orphanet 97, MedGen C1720416, MONDO:0007163, OMIM 108500.
Migraine, familial hemiplegic, 1. Also called: MIGRAINE, FAMILIAL HEMIPLEGIC 1, WITH PROGRESSIVE CEREBELLAR ATAXIA. Identifiers: Orphanet 569, MedGen C1832884, MONDO:0020756, OMIM 141500, MONDO:0007714.
Spinocerebellar ataxia type 6 (SCA6). Identifiers: Orphanet 98758, MedGen C0752124, MONDO:0008457, OMIM 183086.
Developmental and epileptic encephalopathy, 42 (DEE42A). Also called: Epileptic encephalopathy, early infantile, 42; DEVELOPMENTAL AND EPILEPTIC ENCEPHALOPATHY 42A; EPILEPTIC ENCEPHALOPATHY, EARLY INFANTILE, 42A. Identifiers: MedGen C4310716, MONDO:0014917, OMIM 617106.

Submissions (3):

Blueprint Genetics
Classification: Likely benign. Last evaluated: 2024-11-28. Review status: criteria provided, single submitter. Criteria: ACMG Guidelines, 2015. Collection method: clinical testing. Allele origin: germline.

Fulgent Genetics
Classification: Benign for Episodic ataxia type 2; Migraine, familial hemiplegic, 1; Spinocerebellar ataxia type 6; Developmental and epileptic encephalopathy, 42. Last evaluated: 2021-07-19. Review status: criteria provided, single submitter. Criteria: ACMG Guidelines, 2015. Collection method: clinical testing. Allele origin: unknown.

GeneDx
Classification: Benign. Last evaluated: 2021-06-02. Review status: criteria provided, single submitter. Criteria: GeneDx Variant Classification Process June 2021. Collection method: clinical testing. Allele origin: germline. Affected: yes.
Comment: This variant is associated with the following publications: (PMID: 27535533)